The following is an entry in ClinVar:

NM_019066.5(MAGEL2):c.3138G>C (p.Met1046Ile)

Gene: MAGEL2 (MAGE family member L2; minus strand). Cytogenetic location: 15q11.2.
Variant type: single nucleotide variant.
Coding change: c.3138G>C on transcript NM_019066.5 (MANE Select); coding-DNA position 3138, G replaced by C.
Protein change: p.Met1046Ile; replaces methionine 1046 with isoleucine.
Molecular consequence: missense variant.
Genome position (GRCh38, 1-based): chr15:23,644,605, C>G on the plus strand (G>C on the coding strand, the complement: MAGEL2 is on the minus strand). VCF-style: chr15-23644605-C-G. GRCh37 (hg19) VCF-style: chr15-23889752-C-G.
Other names: short protein forms M1046I.
Identifiers: ClinVar variation 4987114 (VCV004987114.1).

ClinVar aggregate classification (germline): Uncertain significance (1 of 4 stars; one submission).

Conditions:
MAGEL2-related disorder. Also called: MAGEL2-related condition.

Submission:

PreventionGenetics, part of Exact Sciences
Classification: Uncertain significance for MAGEL2-related condition. Last evaluated: 2026-03-23. Review status: criteria provided, single submitter. Criteria: ACMG Guidelines, 2015. Collection method: clinical testing. Allele origin: germline.
Comment: The MAGEL2 c.3138G>C variant is predicted to result in the amino acid substitution p.Met1046Ile. To our knowledge, this variant has not been reported in the literature. This variant is reported in 0.012% of alleles in individuals of African descent in gnomAD. Although we suspect that this variant may be benign, at this time, the clinical significance of this variant is uncertain due to the absence of conclusive functional and genetic evidence.